The following is an entry in ClinVar:

NM_005477.3(HCN4):c.915C>A (p.Phe305Leu)

Genes: HCN4 (hyperpolarization activated cyclic nucleotide gated potassium channel 4; minus strand), LOC105370890 (uncharacterized LOC105370890; plus strand), LOC126862173 (CDK7 strongly-dependent group 2 enhancer GRCh37_chr15:73635762-73636961; plus strand). Cytogenetic location: 15q24.1.
Variant type: single nucleotide variant.
Coding change: c.915C>A on transcript NM_005477.3 (MANE Select); coding-DNA position 915, C replaced by A.
Protein change: p.Phe305Leu; replaces phenylalanine 305 with leucine.
Molecular consequence: missense variant.
Genome position (GRCh38, 1-based): chr15:73,343,679, G>T on the plus strand (C>A on the coding strand, the complement: HCN4 is on the minus strand). VCF-style: chr15-73343679-G-T. GRCh37 (hg19) VCF-style: chr15-73636020-G-T.
Other names: short protein forms F305L.
Identifiers: ClinVar variation 1058283 (VCV001058283.12), dbSNP rs1272107414, ClinGen allele CA393095262.

ClinVar aggregate classification (germline): Uncertain significance. Review status: criteria provided, multiple submitters, no conflicts (2 of 4 stars). 3 submissions from 3 submitters: Uncertain significance (3). Last evaluated 2025-09-17.

Conditions:
Brugada syndrome 8 (BRGDA8). Identifiers: Orphanet 130, MedGen C2751083, MONDO:0013148, OMIM 613123.
Cardiovascular phenotype. Identifiers: MedGen CN230736.

Allele frequency attached by ClinVar (database versions not stated): gnomAD exomes below 0.00001; gnomAD 0.00001 and 0.00002; TOPMed 0.00002.
gnomAD v4.1: 4 of 1,614,064 alleles (0.00025%); highest among the groups gnomAD compares: East Asian, 0.0022%; no homozygotes.

Submissions (3):

Ambry Genetics
Classification: Uncertain significance for Cardiovascular phenotype. Last evaluated: 2025-09-17. Review status: criteria provided, single submitter. Criteria: Ambry Variant Classification Scheme 2023. Collection method: clinical testing. Allele origin: germline.
Comment: The p.F305L variant (also known as c.915C>A), located in coding exon 2 of the HCN4 gene, results from a C to A substitution at nucleotide position 915. The phenylalanine at codon 305 is replaced by leucine, an amino acid with highly similar properties. This amino acid position is conserved. In addition, this alteration is predicted to be deleterious by in silico analysis. Since supporting evidence is limited at this time, the clinical significance of this alteration remains unclear.

Molecular Diagnostic Laboratory for Inherited Cardiovascular Disease, Montreal Heart Institute
Classification: Uncertain significance for Cardiovascular phenotype. Last evaluated: 2025-04-09. Review status: criteria provided, single submitter. Criteria: ACMG Guidelines, 2015. Collection method: clinical testing. Allele origin: germline. Affected: yes.

Labcorp Genetics (formerly Invitae), Labcorp
Classification: Uncertain significance for Brugada syndrome 8. Last evaluated: 2024-10-24. Review status: criteria provided, single submitter. Criteria: Invitae Variant Classification Sherloc (09022015). Collection method: clinical testing. Allele origin: germline.
Comment: This sequence change replaces phenylalanine, which is neutral and non-polar, with leucine, which is neutral and non-polar, at codon 305 of the HCN4 protein (p.Phe305Leu). This variant is present in population databases (no rsID available, gnomAD 0.006%). This variant has not been reported in the literature in individuals affected with HCN4-related conditions. ClinVar contains an entry for this variant (Variation ID: 1058283). Invitae Evidence Modeling of protein sequence and biophysical properties (such as structural, functional, and spatial information, amino acid conservation, physicochemical variation, residue mobility, and thermodynamic stability) indicates that this missense variant is not expected to disrupt HCN4 protein function with a negative predictive value of 95%. In summary, the available evidence is currently insufficient to determine the role of this variant in disease. Therefore, it has been classified as a Variant of Uncertain Significance.